The following is an entry in ClinVar:

ClinVar aggregate classification (germline): Uncertain significance (1 of 4 stars; one submission).

gnomAD v4.1: 64 of 1,610,596 alleles (0.004%); highest among the groups gnomAD compares: Admixed American, 0.04%; no homozygotes.

Submission:

Labcorp Genetics (formerly Invitae), Labcorp
Classification: Uncertain significance. Last evaluated: 2025-06-14. Review status: criteria provided, single submitter. Criteria: Invitae Variant Classification Sherloc (09022015). Collection method: clinical testing. Allele origin: germline.
Comment: This sequence change replaces arginine, which is basic and polar, with histidine, which is basic and polar, at codon 424 of the FGFRL1 protein (p.Arg424His). This variant is present in population databases (rs4647931, gnomAD 0.05%). This variant has not been reported in the literature in individuals affected with FGFRL1-related conditions. ClinVar contains an entry for this variant (Variation ID: 2168475). An algorithm developed to predict the effect of missense changes on protein structure and function (PolyPhen-2) suggests that this variant is likely to be disruptive. In summary, the available evidence is currently insufficient to determine the role of this variant in disease. Therefore, it has been classified as a Variant of Uncertain Significance.

NM_001004356.3(FGFRL1):c.1271G>A (p.Arg424His)

Gene: FGFRL1 (fibroblast growth factor receptor like 1; plus strand). Cytogenetic location: 4p16.3.
Variant type: single nucleotide variant.
Coding change: c.1271G>A on transcript NM_001004356.3 (MANE Select); coding-DNA position 1271, G replaced by A.
Protein change: p.Arg424His; replaces arginine 424 with histidine.
Molecular consequence: missense variant.
Genome position (GRCh38, 1-based): chr4:1,025,103, G>A. VCF-style: chr4-1025103-G-A. GRCh37 (hg19) VCF-style: chr4-1018891-G-A.
Other names: c.1271G>A, p.Arg424His (NM_001004358.1, NM_001370296.1, NM_021923.3); short protein forms R424H.
Identifiers: ClinVar variation 2168475 (VCV002168475.4), dbSNP rs4647931, ClinGen allele CA2803057.
Genomic context (GRCh38, chr4:1,025,103, plus strand): 5'-AGCCGTGCACCCCCGCGCCTGCCCCTCCCCTGCCTGGGCACCGCCCGCCGGGGACGGCCC[G>A]CGACCGCAGCGGAGACAAGGACCTTCCCTCGTTGGCCGCCCTCAGCGCTGGCCCTGGTGT-3'
Protein context (NP_001004356.1, residues 414-434): LPGHRPPGTA[Arg424His]DRSGDKDLPS